The following is an entry in ClinVar:

NM_006084.5(IRF9):c.586A>T (p.Thr196Ser)

Gene: IRF9 (interferon regulatory factor 9; plus strand). Cytogenetic location: 14q12.
Variant type: single nucleotide variant.
Coding change: c.586A>T on transcript NM_006084.5 (MANE Select); coding-DNA position 586, A replaced by T.
Protein change: p.Thr196Ser; replaces threonine 196 with serine.
Molecular consequence: missense variant.
Genome position (GRCh38, 1-based): chr14:24,164,071, A>T. VCF-style: chr14-24164071-A-T. GRCh37 (hg19) VCF-style: chr14-24633280-A-T.
Other names: c.586A>T, p.Thr196Ser (NM_001385400.1, NM_001385401.1, NM_001385402.1); short protein forms T196S.
Identifiers: ClinVar variation 1356692 (VCV001356692.8), dbSNP rs2038493824, ClinGen allele CA389205650.

ClinVar aggregate classification (germline): Uncertain significance (1 of 4 stars; one submission).

Allele frequency attached by ClinVar (database versions not stated): gnomAD exomes below 0.00001; TOPMed below 0.00001.
gnomAD v4.1: 6 of 1,614,108 alleles (0.00037%); highest among the groups gnomAD compares: African/African-American, 0.0027%; no homozygotes.

Submission:

Labcorp Genetics (formerly Invitae), Labcorp
Classification: Uncertain significance. Last evaluated: 2024-11-05. Review status: criteria provided, single submitter. Criteria: Invitae Variant Classification Sherloc (09022015). Collection method: clinical testing. Allele origin: germline.
Comment: This sequence change replaces threonine, which is neutral and polar, with serine, which is neutral and polar, at codon 196 of the IRF9 protein (p.Thr196Ser). This variant is not present in population databases (gnomAD no frequency). This variant has not been reported in the literature in individuals affected with IRF9-related conditions. ClinVar contains an entry for this variant (Variation ID: 1356692). An algorithm developed to predict the effect of missense changes on protein structure and function outputs the following: PolyPhen-2: "Benign". The serine amino acid residue is found in multiple mammalian species, which suggests that this missense change does not adversely affect protein function. In summary, the available evidence is currently insufficient to determine the role of this variant in disease. Therefore, it has been classified as a Variant of Uncertain Significance.